The following is an entry in ClinVar:

NM_001083619.3(GRIA2):c.594T>C (p.Asp198=)

Gene: GRIA2 (glutamate ionotropic receptor AMPA type subunit 2; plus strand). Cytogenetic location: 4q32.1.
Variant type: single nucleotide variant.
Coding change: c.594T>C on transcript NM_001083619.3 (MANE Select); coding-DNA position 594, T replaced by C.
Protein change: p.Asp198=; no amino-acid change (aspartic acid 198 retained).
Molecular consequence: synonymous variant.
Genome position (GRCh38, 1-based): chr4:157,312,803, T>C. VCF-style: chr4-157312803-T-C. GRCh37 (hg19) VCF-style: chr4-158233955-T-C.
Other names: c.594T>C, p.Asp198= (NM_000826.6); c.453T>C, p.Asp151= (NM_001083620.3, NM_001379000.3, NM_001379001.3).
Identifiers: ClinVar variation 4875236 (VCV004875236.2).
Genomic context (GRCh38, chr4:157,312,803, plus strand): 5'-CAATGTGGGAAACATTAACAATGACAAGAAAGATGAGATGTACCGATCACTTTTTCAAGA[T>C]CTGGAGTTAAAAAAGGAACGGCGTGTAATTCTGGACTGTGAAAGGGATAAAGTAAACGAC-3'
Protein context (NP_001077088.2, residues 188-208): KDEMYRSLFQ[Asp198=]LELKKERRVI

ClinVar aggregate classification (germline): Likely benign (1 of 4 stars; one submission).

gnomAD v4.1: 1 of 1,611,102 alleles (0.000062%); highest among the groups gnomAD compares: Admixed American, 0.0017%; no homozygotes.

Submission:

CeGaT Center for Human Genetics Tuebingen
Classification: Likely benign. Last evaluated: 2026-06-01. Review status: criteria provided, single submitter. Criteria: CeGaT Center For Human Genetics Tuebingen Variant Classification Criteria Version 2. Collection method: clinical testing. Allele origin: germline. Affected: yes. Observed: 1 variant allele.
Comment: GRIA2: BP4, BP7